The following is an entry in ClinVar:

ClinVar aggregate classification (germline): Uncertain significance (1 of 4 stars; one submission).

Submission:

Labcorp Genetics (formerly Invitae), Labcorp
Classification: Uncertain significance. Last evaluated: 2024-05-09. Review status: criteria provided, single submitter. Criteria: Invitae Variant Classification Sherloc (09022015). Collection method: clinical testing. Allele origin: germline.
Comment: This sequence change replaces phenylalanine, which is neutral and non-polar, with leucine, which is neutral and non-polar, at codon 161 of the PORCN protein (p.Phe161Leu). This variant is not present in population databases (gnomAD no frequency). This variant has not been reported in the literature in individuals affected with PORCN-related conditions. Advanced modeling of protein sequence and biophysical properties (such as structural, functional, and spatial information, amino acid conservation, physicochemical variation, residue mobility, and thermodynamic stability) performed at Invitae indicates that this missense variant is expected to disrupt PORCN protein function with a positive predictive value of 80%. In summary, the available evidence is currently insufficient to determine the role of this variant in disease. Therefore, it has been classified as a Variant of Uncertain Significance.

NM_203475.3(PORCN):c.483C>A (p.Phe161Leu)

Gene: PORCN (porcupine O-acyltransferase; plus strand). Cytogenetic location: Xp11.23.
Variant type: single nucleotide variant.
Coding change: c.483C>A on transcript NM_203475.3 (MANE Select); coding-DNA position 483, C replaced by A.
Protein change: p.Phe161Leu; replaces phenylalanine 161 with leucine.
Molecular consequence: missense variant.
Genome position (GRCh38, 1-based): chrX:48,512,435, C>A. VCF-style: chrX-48512435-C-A. GRCh37 (hg19) VCF-style: chrX-48370823-C-A.
Other names: c.270C>A, p.Phe90Leu (NM_001282167.2); c.483C>A, p.Phe161Leu (NM_022825.4, NM_203473.3, NM_203474.1); short protein forms F161L, F90L.
Identifiers: ClinVar variation 3652765 (VCV003652765.2).